The following is an entry in ClinVar:

NM_001089.3(ABCA3):c.537G>C (p.Trp179Cys)

Gene: ABCA3 (ATP binding cassette subfamily A member 3; minus strand). Cytogenetic location: 16p13.3.
Variant type: single nucleotide variant.
Coding change: c.537G>C on transcript NM_001089.3 (MANE Select); coding-DNA position 537, G replaced by C.
Protein change: p.Trp179Cys; replaces tryptophan 179 with cysteine.
Molecular consequence: missense variant.
Genome position (GRCh38, 1-based): chr16:2,323,599, C>G on the plus strand (G>C on the coding strand, the complement: ABCA3 is on the minus strand). VCF-style: chr16-2323599-C-G. GRCh37 (hg19) VCF-style: chr16-2373600-C-G.
Other names: short protein forms W179C.
Identifiers: ClinVar variation 2577338 (VCV002577338.7), dbSNP rs2505674367, ClinGen allele CA394349558.

ClinVar aggregate classification (germline): Pathogenic/Likely pathogenic. Review status: criteria provided, multiple submitters, no conflicts (2 of 4 stars). 3 submissions from 3 submitters: Pathogenic (1); Likely pathogenic (2). Last evaluated 2026-02-27.

Conditions:
Interstitial lung disease due to ABCA3 deficiency. Also called: PULMONARY ALVEOLAR PROTEINOSIS, CONGENITAL, 3. Identifiers: Orphanet 440402, MedGen C1970456, MONDO:0012582, OMIM 610921.

Allele frequency attached by ClinVar (database versions not stated): gnomAD exomes 0.00003.
gnomAD v4.1: 37 of 1,614,130 alleles (0.0023%); highest among the groups gnomAD compares: Non-Finnish European, 0.0031%; no homozygotes.

Submissions (3):

GeneDx
Classification: Likely pathogenic. Last evaluated: 2026-02-27. Review status: criteria provided, single submitter. Criteria: GeneDx Variant Classification Process June 2021. Collection method: clinical testing. Allele origin: germline.
Comment: Not observed at significant frequency in large population cohorts (gnomAD); In silico analysis supports that this missense variant has a deleterious effect on protein structure/function; This variant is associated with the following publications: (PMID: 23625987, 16641205, 24871971)

Women's Health and Genetics/Laboratory Corporation of America, LabCorp
Classification: Likely pathogenic for Interstitial lung disease due to ABCA3 deficiency. Last evaluated: 2025-04-18. Review status: criteria provided, single submitter. Criteria: LabCorp Variant Classification Summary - May 2015. Collection method: clinical testing. Allele origin: germline.
Comment: Variant summary: ABCA3 c.537G>C (p.Trp179Cys) results in a non-conservative amino acid change in the encoded protein sequence. Five of five in-silico tools predict a damaging effect of the variant on protein function. The variant was absent in 251496 control chromosomes. c.537G>C has been reported in the literature as a compound heterozygous genotype in individuals affected with features of Pulmonary surfactant metabolism dysfunction (Garmany_2006, Wambach_2014, Turcu_2013). These data indicate that the variant is likely to be associated with disease. To our knowledge, no experimental evidence demonstrating an impact on protein function has been reported. The following publications have been ascertained in the context of this evaluation (PMID: 16641205, 23625987, 24871971). ClinVar contains an entry for this variant (Variation ID: 2577338). Based on the evidence outlined above, the variant was classified as likely pathogenic.

Labcorp Genetics (formerly Invitae), Labcorp
Classification: Pathogenic. Last evaluated: 2025-04-01. Review status: criteria provided, single submitter. Criteria: Invitae Variant Classification Sherloc (09022015). Collection method: clinical testing. Allele origin: germline.
Comment: This sequence change replaces tryptophan, which is neutral and slightly polar, with cysteine, which is neutral and slightly polar, at codon 179 of the ABCA3 protein (p.Trp179Cys). This variant is not present in population databases (gnomAD no frequency). This missense change has been observed in individual(s) with pulmonary surfactant metabolism dysfunction (PMID: 16641205, 24871971). In at least one individual the data is consistent with being in trans (on the opposite chromosome) from a pathogenic variant. ClinVar contains an entry for this variant (Variation ID: 2577338). An algorithm developed to predict the effect of missense changes on protein structure and function (PolyPhen-2) suggests that this variant is likely to be disruptive. For these reasons, this variant has been classified as Pathogenic.

Literature cited by the submitters: PubMed 23625987 (cited by Women's Health and Genetics/Laboratory Corporation of America, LabCorp); PubMed 24871971 (cited by Women's Health and Genetics/Laboratory Corporation of America, LabCorp and Labcorp Genetics (formerly Invitae), Labcorp); PubMed 16641205 (cited by Women's Health and Genetics/Laboratory Corporation of America, LabCorp and Labcorp Genetics (formerly Invitae), Labcorp).